The following is an entry in ClinVar:

NM_000361.3(THBD):c.1020T>G (p.Cys340Trp)

Gene: THBD (thrombomodulin; minus strand). Cytogenetic location: 20p11.21.
Variant type: single nucleotide variant.
Coding change: c.1020T>G on transcript NM_000361.3 (MANE Select); coding-DNA position 1020, T replaced by G.
Protein change: p.Cys340Trp; replaces cysteine 340 with tryptophan.
Molecular consequence: missense variant.
Genome position (GRCh38, 1-based): chr20:23,048,485, A>C on the plus strand (T>G on the coding strand, the complement: THBD is on the minus strand). VCF-style: chr20-23048485-A-C. GRCh37 (hg19) VCF-style: chr20-23029122-A-C.
Other names: short protein forms C340W.
Identifiers: ClinVar variation 4280399 (VCV004280399.1).
Genomic context (GRCh38, chr20:23,048,485, plus strand): 5'-GCCGTCCACCAGGTCGTAGTTAGGGTAGCAGTGGCACTCGAAGCCACCCTGTGTGTTGAC[A>C]CAGCGCTGCGGACACGGACTGGGCTCCAGTATGCAGTCATCCACGTCCTCGCACCGGTGT-3'
Protein context (NP_000352.1, residues 330-350): ILEPSPCPQR[Cys340Trp]VNTQGGFECH

ClinVar aggregate classification (germline): Uncertain significance (1 of 4 stars; one submission).

Conditions:
Thrombomodulin-related bleeding disorder (THPH12). Also called: Thrombophilia due to thrombomodulin defect. Identifiers: Orphanet 436169, MedGen C3280976, MONDO:0013775, OMIM 614486.

Submission:

Genomenon, Inc
Classification: Uncertain significance for Thrombomodulin-related bleeding disorder. Last evaluated: 2025-09-22. Review status: criteria provided, single submitter. Criteria: Genomenon Sequence Variant Interpretation Standards - Updated. Collection method: curation. Allele origin: germline. Affected: no.
Comment: THBD p.Cys340Trp (c.1020T>G) is a missense variant that changes the amino acid at residue 340 from Cysteine to Tryptophan. This variant has been reported in the published literature (PMID:39675565). It is absent or not present at a significant frequency in gnomAD. In silico models agree that this variant is possibly or probably damaging. In conclusion, we classify THBD p.Cys340Trp (c.1020T>G) as a variant of unknown significance.

Literature cited by the submitters: PubMed 39675565.